The following is an entry in ClinVar:

NM_001142864.4(PIEZO1):c.7204G>A (p.Glu2402Lys)

Gene: PIEZO1 (piezo type mechanosensitive ion channel component 1 (Er blood group); minus strand). Cytogenetic location: 16q24.3.
Variant type: single nucleotide variant.
Coding change: c.7204G>A on transcript NM_001142864.4 (MANE Select); coding-DNA position 7204, G replaced by A.
Protein change: p.Glu2402Lys; replaces glutamic acid 2402 with lysine.
Molecular consequence: missense variant.
Genome position (GRCh38, 1-based): chr16:88,716,045, C>T on the plus strand (G>A on the coding strand, the complement: PIEZO1 is on the minus strand). VCF-style: chr16-88716045-C-T. GRCh37 (hg19) VCF-style: chr16-88782453-C-T.
Other names: short protein forms E2402K.
Identifiers: ClinVar variation 5026644 (VCV005026644.1).

ClinVar aggregate classification (germline): Uncertain significance (1 of 4 stars; one submission).

Conditions:
Inborn genetic diseases. Identifiers: MedGen C0950123, MeSH D030342.

gnomAD v4.1: 11 of 1,550,220 alleles (0.00071%); highest among the groups gnomAD compares: South Asian, 0.0048%; no homozygotes.

Submission:

Ambry Genetics
Classification: Uncertain significance for Inborn genetic diseases. Last evaluated: 2026-07-02. Review status: criteria provided, single submitter. Criteria: Ambry Variant Classification Scheme 2023. Collection method: clinical testing. Allele origin: germline.
Comment: The c.7204G>A (p.E2402K) alteration is located in exon 50 (coding exon 50) of the PIEZO1 gene. This alteration results from a G to A substitution at nucleotide position 7204, causing the glutamic acid (E) at amino acid position 2402 to be replaced by a lysine (K). Based on data from gnomAD, the A allele has an overall frequency of 0.001% (2/154580) total alleles studied. The highest observed frequency was 0.004% (1/22756) of South Asian alleles. Based on insufficient or conflicting evidence, the clinical significance of this alteration remains unclear.